The following is an entry in ClinVar:

ClinVar aggregate classification (germline): Pathogenic (1 of 4 stars; one submission).

Conditions:
Glycogen storage disease type III (GSD3). Also called: Cori disease; FORBES DISEASE. Identifiers: Orphanet 366, MedGen C0017922, MONDO:0009291, OMIM 232400.

Submission:

Labcorp Genetics (formerly Invitae), Labcorp
Classification: Pathogenic for Glycogen storage disease type III. Last evaluated: 2025-12-19. Review status: criteria provided, single submitter. Criteria: Invitae Variant Classification Sherloc (09022015). Collection method: clinical testing. Allele origin: germline.
Comment: This sequence change replaces glycine, which is neutral and non-polar, with glutamic acid, which is acidic and polar, at codon 1100 of the AGL protein (p.Gly1100Glu). This variant is not present in population databases (gnomAD no frequency). This missense change has been observed in individual(s) with glycogen storage disease type III (PMID: 26984562; internal data). In at least one individual the data is consistent with being in trans (on the opposite chromosome) from a pathogenic variant. ClinVar contains an entry for this variant (Variation ID: 2202823). Invitae Evidence Modeling of protein sequence and biophysical properties (such as structural, functional, and spatial information, amino acid conservation, physicochemical variation, residue mobility, and thermodynamic stability) indicates that this missense variant is expected to disrupt AGL protein function with a positive predictive value of 80%. For these reasons, this variant has been classified as Pathogenic.

Literature cited by the submitters: PubMed 26984562.

NM_000642.3(AGL):c.3299G>A (p.Gly1100Glu)

Gene: AGL (amylo-alpha-1,6-glucosidase and 4-alpha-glucanotransferase; plus strand). Cytogenetic location: 1p21.2.
Variant type: single nucleotide variant.
Coding change: c.3299G>A on transcript NM_000642.3 (MANE Select); coding-DNA position 3299, G replaced by A.
Protein change: p.Gly1100Glu; replaces glycine 1100 with glutamic acid.
Molecular consequence: missense variant.
Genome position (GRCh38, 1-based): chr1:99,896,325, G>A. VCF-style: chr1-99896325-G-A. GRCh37 (hg19) VCF-style: chr1-100361881-G-A.
Other names: c.3299G>A, p.Gly1100Glu (NM_000028.3, NM_000643.3, NM_000644.3 and 1 more transcripts); c.3251G>A, p.Gly1084Glu (NM_000646.3); c.3278G>A, p.Gly1093Glu (NM_001425326.1); c.3098G>A, p.Gly1033Glu (NM_001425327.1); c.3095G>A, p.Gly1032Glu (NM_001425328.1); c.2960G>A, p.Gly987Glu (NM_001425329.1); c.2921G>A, p.Gly974Glu (NM_001425332.1); short protein forms G1084E, G1100E, G1032E, G1033E, G1093E, G974E, G987E.
Identifiers: ClinVar variation 2202823 (VCV002202823.4), dbSNP rs2524757411, ClinGen allele CA341328552.